The following is an entry in ClinVar:

NM_000268.4(NF2):c.610G>C (p.Glu204Gln)

Gene: NF2 (NF2, moesin-ezrin-radixin like (MERLIN) tumor suppressor; plus strand). Cytogenetic location: 22q12.2.
Variant type: single nucleotide variant.
Coding change: c.610G>C on transcript NM_000268.4 (MANE Select); coding-DNA position 610, G replaced by C.
Protein change: p.Glu204Gln; replaces glutamic acid 204 with glutamine.
Molecular consequence: missense variant. On other transcripts: non-coding transcript variant (1), intron variant (1).
Genome position (GRCh38, 1-based): chr22:29,658,199, G>C. VCF-style: chr22-29658199-G-C. GRCh37 (hg19) VCF-style: chr22-30054188-G-C.
Other names: c.610G>C, p.Glu204Gln (NM_016418.5, NM_181825.3, NM_181832.3); c.484G>C, p.Glu162Gln (NM_181828.3); c.487G>C, p.Glu163Gln (NM_181829.3); c.361G>C, p.Glu121Gln (NM_181830.3, NM_181831.3); c.447+15914G>C (NM_181833.3); short protein forms E204Q, E162Q, E121Q, E163Q.
Identifiers: ClinVar variation 584998 (VCV000584998.18), dbSNP rs1569295916, ClinGen allele CA411142984.
Genomic context (GRCh38, chr22:29,658,199, plus strand): 5'-CCACCCATCTCACTTAGCTCCAATGACAGTGTCTTCCGTTCTCCCCACAGGGATGAAGCT[G>C]AAATGGAATATCTGAAGATAGCTCAGGACCTGGAGATGTACGGTGTGAACTACTTTGCAA-3'
Protein context (NP_000259.1, residues 194-214): EHRGRARDEA[Glu204Gln]MEYLKIAQDL

ClinVar aggregate classification (germline): Uncertain significance. Review status: criteria provided, multiple submitters, no conflicts (2 of 4 stars). 4 submissions from 4 submitters: Uncertain significance (4). Last evaluated 2025-11-01.

Conditions:
Hereditary cancer-predisposing syndrome. Also called: Tumor predisposition; Neoplastic Syndromes, Hereditary; Hereditary neoplastic syndrome; Hereditary Cancer Syndrome. Identifiers: Orphanet 140162, MedGen C0027672, MeSH D009386, MONDO:0015356.
Neurofibromatosis, type 2 (SWNV). Also called: NF2-Related Schwannomatosis; BILATERAL ACOUSTIC NEUROFIBROMATOSIS; SCHWANNOMATOSIS, VESTIBULAR. Identifiers: Orphanet 637, MedGen C0027832, MONDO:0007039, OMIM 101000. Disease mechanism: loss of function.

Allele frequency attached by ClinVar (database versions not stated): gnomAD exomes 0.00002.
gnomAD v4.1: 9 of 1,614,144 alleles (0.00056%); highest among the groups gnomAD compares: East Asian, 0.02%; no homozygotes.

Submissions (4):

Labcorp Genetics (formerly Invitae), Labcorp
Classification: Uncertain significance for Neurofibromatosis, type 2. Last evaluated: 2025-11-01. Review status: criteria provided, single submitter. Criteria: Invitae Variant Classification Sherloc (09022015). Collection method: clinical testing. Allele origin: germline.
Comment: This sequence change replaces glutamic acid, which is acidic and polar, with glutamine, which is neutral and polar, at codon 204 of the NF2 protein (p.Glu204Gln). This variant is not present in population databases (gnomAD no frequency). This variant has not been reported in the literature in individuals affected with NF2-related conditions. ClinVar contains an entry for this variant (Variation ID: 584998). Invitae Evidence Modeling of protein sequence and biophysical properties (such as structural, functional, and spatial information, amino acid conservation, physicochemical variation, residue mobility, and thermodynamic stability) indicates that this missense variant is expected to disrupt NF2 protein function with a positive predictive value of 80%. In summary, the available evidence is currently insufficient to determine the role of this variant in disease. Therefore, it has been classified as a Variant of Uncertain Significance.

Ambry Genetics
Classification: Uncertain significance for Hereditary cancer-predisposing syndrome. Last evaluated: 2025-01-17. Review status: criteria provided, single submitter. Criteria: Ambry Variant Classification Scheme 2023. Collection method: clinical testing. Allele origin: germline.
Comment: The p.E204Q variant (also known as c.610G>C), located in coding exon 7 of the NF2 gene, results from a G to C substitution at nucleotide position 610. The glutamic acid at codon 204 is replaced by glutamine, an amino acid with highly similar properties. This amino acid position is highly conserved in available vertebrate species. In addition, this alteration is predicted to be deleterious by in silico analysis. Based on the available evidence, the clinical significance of this variant remains unclear.

Genome-Nilou Lab
Classification: Uncertain significance for Neurofibromatosis, type 2. Last evaluated: 2021-11-07. Review status: criteria provided, single submitter. Criteria: ACMG Guidelines, 2015. Collection method: clinical testing. Allele origin: germline. Affected: no.

Mendelics
Classification: Uncertain significance for Neurofibromatosis, type 2. Last evaluated: 2018-07-02. Review status: criteria provided, single submitter. Criteria: Mendelics Assertion Criteria 2017. Collection method: clinical testing. Allele origin: unknown.